The following is an entry in ClinVar:

ClinVar aggregate classification (germline): Pathogenic (1 of 4 stars; one submission).

Conditions:
Benign neonatal seizures. Also called: Convulsions benign familial neonatal dominant form; Autosomal dominant form of benign neonatal seizures; Benign familial neonatal seizures; Benign neonatal familial convulsions; Benign familial neonatal epilepsy. Identifiers: Orphanet 1949, MedGen C0220669, MONDO:0016027.

Submission:

Labcorp Genetics (formerly Invitae), Labcorp
Classification: Pathogenic for Benign neonatal seizures. Last evaluated: 2025-09-17. Review status: criteria provided, single submitter. Criteria: Invitae Variant Classification Sherloc (09022015). Collection method: clinical testing. Allele origin: germline.
Comment: This sequence change replaces glycine, which is neutral and non-polar, with arginine, which is basic and polar, at codon 320 of the KCNQ3 protein (p.Gly320Arg). This variant is not present in population databases (gnomAD no frequency). This missense change has been observed in individual(s) with KCNQ3-related conditions (internal data). In at least one individual the variant was observed to be de novo. ClinVar contains an entry for this variant (Variation ID: 3655008). Invitae Evidence Modeling of protein sequence and biophysical properties (such as structural, functional, and spatial information, amino acid conservation, physicochemical variation, residue mobility, and thermodynamic stability) indicates that this missense variant is expected to disrupt KCNQ3 protein function with a positive predictive value of 80%. This variant disrupts the p.Gly320 amino acid residue in KCNQ3. Other variant(s) that disrupt this residue have been observed in individuals with KCNQ3-related conditions (internal data), which suggests that this may be a clinically significant amino acid residue. For these reasons, this variant has been classified as Pathogenic.

NM_004519.4(KCNQ3):c.958G>A (p.Gly320Arg)

Gene: KCNQ3 (potassium voltage-gated channel subfamily Q member 3; minus strand). Cytogenetic location: 8q24.22.
Variant type: single nucleotide variant.
Coding change: c.958G>A on transcript NM_004519.4 (MANE Select); coding-DNA position 958, G replaced by A.
Protein change: p.Gly320Arg; replaces glycine 320 with arginine.
Molecular consequence: missense variant.
Genome position (GRCh38, 1-based): chr8:132,174,325, C>T on the plus strand (G>A on the coding strand, the complement: KCNQ3 is on the minus strand). VCF-style: chr8-132174325-C-T. GRCh37 (hg19) VCF-style: chr8-133186572-C-T.
Other names: c.598G>A, p.Gly200Arg (NM_001204824.2); short protein forms G200R, G320R.
Identifiers: ClinVar variation 3655008 (VCV003655008.2).